The following is an entry in ClinVar:

NM_000548.5(TSC2):c.2834A>G (p.Lys945Arg)

Gene: TSC2 (TSC complex subunit 2; plus strand). Cytogenetic location: 16p13.3.
Variant type: single nucleotide variant.
Coding change: c.2834A>G on transcript NM_000548.5 (MANE Select); coding-DNA position 2834, A replaced by G.
Protein change: p.Lys945Arg; replaces lysine 945 with arginine.
Molecular consequence: missense variant.
Genome position (GRCh38, 1-based): chr16:2,076,582, A>G. VCF-style: chr16-2076582-A-G. GRCh37 (hg19) VCF-style: chr16-2126583-A-G.
Other names: c.2834A>G, p.Lys945Arg (NM_001077183.3, NM_001114382.3, NM_001363528.2 and 3 more transcripts); c.2723A>G, p.Lys908Arg (NM_001318827.2); c.2687A>G, p.Lys896Arg (NM_001318829.2); c.2234A>G, p.Lys745Arg (NM_001318831.2); c.2867A>G, p.Lys956Arg (NM_001318832.2); short protein forms K945R, K956R, K896R, K745R, K908R.
Identifiers: ClinVar variation 318323 (VCV000318323.23), dbSNP rs886051791, ClinGen allele CA10648020.

ClinVar aggregate classification (germline): Conflicting classifications of pathogenicity. Review status: criteria provided, conflicting classifications (1 of 4 stars). 7 submissions from 7 submitters: Uncertain significance (4); Benign (1); Likely benign (2). Last evaluated 2025-11-18.

Conditions:
Tuberous sclerosis 2 (TSC2). Identifiers: Orphanet 805, MedGen C1860707, MONDO:0013199, OMIM 613254.
Tuberous sclerosis syndrome (TSC). Also called: Tuberous sclerosis; Tuberous Sclerosis Complex. Identifiers: Orphanet 805, MedGen C0041341, MONDO:0001734.
Hereditary cancer-predisposing syndrome. Also called: Hereditary neoplastic syndrome; Tumor predisposition; Hereditary Cancer Syndrome; Neoplastic Syndromes, Hereditary. Identifiers: Orphanet 140162, MedGen C0027672, MeSH D009386, MONDO:0015356.

Allele frequency attached by ClinVar (database versions not stated): gnomAD exomes below 0.00001.
gnomAD v4.1: 3 of 1,612,990 alleles (0.00019%); highest among the groups gnomAD compares: Non-Finnish European, 0.00025%; no homozygotes.

Submissions (7):

Labcorp Genetics (formerly Invitae), Labcorp
Classification: Benign for Tuberous sclerosis 2. Last evaluated: 2025-11-18. Review status: criteria provided, single submitter. Criteria: Invitae Variant Classification Sherloc (09022015). Collection method: clinical testing. Allele origin: germline.

All of Us Research Program, National Institutes of Health
Classification: Uncertain significance for Tuberous sclerosis syndrome. Last evaluated: 2023-04-03. Review status: criteria provided, single submitter. Criteria: ACMG Guidelines, 2015. Collection method: clinical testing. Allele origin: germline. Inheritance: Autosomal dominant inheritance. Observed: 1 variant allele, 1 heterozygote.
Comment: This missense variant replaces lysine with arginine at codon 945 of the TSC2 protein. Computational prediction suggests that this variant may not impact protein structure and function (internally defined REVEL score threshold <= 0.5, PMID: 27666373). To our knowledge, functional studies have not been reported for this variant. This variant has not been reported in individuals affected with tuberous sclerosis complex in the literature. This variant has not been identified in the general population by the Genome Aggregation Database (gnomAD). The available evidence is insufficient to determine the role of this variant in disease conclusively. Therefore, this variant is classified as a Variant of Uncertain Significance.

This study involves interpretation of variants in research participants for the purpose of population health screening. Participant phenotype was not available at the time of variant classification. Additional details can be found in publication PMID: 35346344, PMCID: PMC8962531

Genome-Nilou Lab
Classification: Likely benign for Tuberous sclerosis 2. Last evaluated: 2021-11-07. Review status: criteria provided, single submitter. Criteria: ACMG Guidelines, 2015. Collection method: clinical testing. Allele origin: germline. Affected: no.

Ambry Genetics
Classification: Likely benign for Hereditary cancer-predisposing syndrome. Last evaluated: 2021-10-04. Review status: criteria provided, single submitter. Criteria: Ambry Variant Classification Scheme 2023. Collection method: clinical testing. Allele origin: germline.

Blueprint Genetics
Classification: Uncertain significance. Last evaluated: 2020-11-12. Review status: criteria provided, single submitter. Criteria: ACMG Guidelines, 2015. Collection method: clinical testing. Allele origin: germline.

GeneDx
Classification: Uncertain significance. Last evaluated: 2020-03-09. Review status: criteria provided, single submitter. Criteria: GeneDx Variant Classification Process June 2021. Collection method: clinical testing. Allele origin: germline. Affected: yes.
Comment: Not observed in large population cohorts (Lek 2016); In silico analysis supports that this missense variant does not alter protein structure/function; Observed in individuals with breast cancer (Jalkh 2017); This variant is associated with the following publications: (PMID: 28202063)

Illumina Laboratory Services, Illumina
Classification: Uncertain significance for Tuberous sclerosis syndrome. Last evaluated: 2018-01-12. Review status: criteria provided, single submitter. Criteria: ICSL Variant Classification Criteria 13 December 2019. Collection method: clinical testing. Allele origin: germline.

Literature cited by the submitters: PubMed 28202063 (cited by Ambry Genetics).